The following is an entry in ClinVar:

ClinVar aggregate classification (germline): Uncertain significance (1 of 4 stars; one submission).

Allele frequency attached by ClinVar (database versions not stated): TOPMed below 0.00001; ExAC 0.00005.
gnomAD v4.1: 8 of 1,551,544 alleles (0.00052%); highest among the groups gnomAD compares: Non-Finnish European, 0.0007%; no homozygotes.

Submission:

Labcorp Genetics (formerly Invitae), Labcorp
Classification: Uncertain significance. Last evaluated: 2022-12-24. Review status: criteria provided, single submitter. Criteria: Invitae Variant Classification Sherloc (09022015). Collection method: clinical testing. Allele origin: germline.
Comment: In summary, the available evidence is currently insufficient to determine the role of this variant in disease. Therefore, it has been classified as a Variant of Uncertain Significance. Advanced modeling of protein sequence and biophysical properties (such as structural, functional, and spatial information, amino acid conservation, physicochemical variation, residue mobility, and thermodynamic stability) performed at Invitae indicates that this missense variant is not expected to disrupt UNC80 protein function. This variant has not been reported in the literature in individuals affected with UNC80-related conditions. This variant is present in population databases (rs750786142, gnomAD 0.004%). This sequence change replaces leucine, which is neutral and non-polar, with valine, which is neutral and non-polar, at codon 2748 of the UNC80 protein (p.Leu2748Val).

NM_001371986.1(UNC80):c.8440C>G (p.Leu2814Val)

Gene: UNC80 (unc-80 homolog, NALCN channel complex subunit; plus strand). Cytogenetic location: 2q34.
Variant type: single nucleotide variant.
Coding change: c.8440C>G on transcript NM_001371986.1 (MANE Select); coding-DNA position 8440, C replaced by G.
Protein change: p.Leu2814Val; replaces leucine 2814 with valine.
Molecular consequence: missense variant.
Genome position (GRCh38, 1-based): chr2:209,973,123, C>G. VCF-style: chr2-209973123-C-G. GRCh37 (hg19) VCF-style: chr2-210837847-C-G.
Other names: c.8242C>G, p.Leu2748Val (NM_032504.2); c.8227C>G, p.Leu2743Val (NM_182587.4); short protein forms L2748V, L2743V, L2814V.
Identifiers: ClinVar variation 2982117 (VCV002982117.2), dbSNP rs750786142, ClinGen allele CA2083564.
Genomic context (GRCh38, chr2:209,973,123, plus strand): 5'-GATAGCCCATGGCTGGAGCAGCCTGAGGTGCAGCTGCTGCTGCAGACAGTCATCAATGTA[C>G]TCCTCCCACCGCGGATCATCAGCACATCCAGGAGCAAGAACTTCATGTTAGAGAGCTCCC-3'
Protein context (NP_001358915.1, residues 2804-2824): QLLLQTVINV[Leu2814Val]LPPRIISTSR